The following is an entry in ClinVar:

ClinVar aggregate classification (germline): Pathogenic (1 of 4 stars; one submission).

Conditions:
Mucopolysaccharidosis, MPS-III-C (MPS3C). Also called: MPS III C; MUCOPOLYSACCHARIDOSIS, TYPE IIIC; Mucopolysaccharidosis type IIIC (Sanfilippo C); mucopolysaccharidosis type 3C; MPS IIIC (Sanfilippo Syndrome Type C); SANFILIPPO SYNDROME C. Identifiers: Orphanet 581, Orphanet 79271, MedGen C0086649, MONDO:0009657, OMIM 252930.

Submission:

Myriad Genetics, Inc.
Classification: Pathogenic for Mucopolysaccharidosis, MPS-III-C. Last evaluated: 2025-03-13. Review status: criteria provided, single submitter. Criteria: Myriad Autosomal Dominant, Autosomal Recessive and X-Linked Classification Criteria (2023). Collection method: clinical testing. Allele origin: unknown.
Comment: NM_152419.2(HGSNAT):c.1581_1584delTGAA(N527Kfs*6) is expected to be pathogenic in the context of mucopolysaccharidosis type IIIC. This variant is predicted to lead to an abnormal or absent protein product due to the creation of a premature termination codon in HGSNAT, a gene where loss-of-function variants are known to be pathogenic. Please note: this variant was assessed in the context of healthy population screening.

NM_152419.3(HGSNAT):c.1581_1584del (p.Asn527fs)

Gene: HGSNAT (heparan-alpha-glucosaminide N-acetyltransferase; plus strand). Cytogenetic location: 8p11.21.
Variant type: Deletion.
Coding change: c.1581_1584del on transcript NM_152419.3 (MANE Select); coding-DNA positions 1581 to 1584, 4 bases deleted (TGAA; older notation c.1581_1584delTGAA).
Protein change: p.Asn527fs; shifts the reading frame from asparagine 527.
Molecular consequence: frameshift variant.
Genome position (GRCh38, 1-based): chr8:43,197,710-43,197,713, TGAA deleted; deleting any 4 consecutive bases within chr8:43,197,708-43,197,713 gives the same sequence; the c. name uses the placement nearest the transcript's 3' end. VCF-style (leftmost placement, unchanged base first): chr8-43197707-AAATG-A. GRCh37 (hg19) VCF-style: chr8-43052850-AAATG-A.
Other names: c.1668_1671del, p.Asn556fs (NM_001363227.2); c.1389_1392del, p.Asn463fs (NM_001363228.2); c.717_720del, p.Asn239fs (NM_001363229.2); short protein forms N239fs, N463fs, N527fs, N556fs.
Identifiers: ClinVar variation 5014207 (VCV005014207.1).
Genomic context (GRCh38, chr8:43,197,707, plus strand): 5'-AACATCCTTCTCTTCCCCATTACAGGGGCTCATTTCTGTTGCTCTGACGAAGGTTTCTGA[AAATG>A]AAGGCTTTATTCCAGTAAACAAAAATCTCTGGTATGTATGGAAAAAGCATGATTTTATGG-3'